The following is an entry in ClinVar:

ClinVar aggregate classification (germline): Uncertain significance (1 of 4 stars; one submission).

Conditions:
Primary ciliary dyskinesia. Also called: Ciliary dyskinesia. Identifiers: Orphanet 244, MedGen C0008780, MONDO:0016575, HP:0012265.

Allele frequency attached by ClinVar (database versions not stated): gnomAD exomes below 0.00001; gnomAD 0.00001; TOPMed 0.00001.
gnomAD v4.1: 2 of 1,601,124 alleles (0.00012%); highest among the groups gnomAD compares: Admixed American, 0.0034%; no homozygotes.

Submission:

Labcorp Genetics (formerly Invitae), Labcorp
Classification: Uncertain significance for Primary ciliary dyskinesia. Last evaluated: 2023-12-11. Review status: criteria provided, single submitter. Criteria: Invitae Variant Classification Sherloc (09022015). Collection method: clinical testing. Allele origin: germline.
Comment: This sequence change replaces proline, which is neutral and non-polar, with leucine, which is neutral and non-polar, at codon 316 of the DNAH11 protein (p.Pro316Leu). This variant is not present in population databases (gnomAD no frequency). This variant has not been reported in the literature in individuals affected with DNAH11-related conditions. Advanced modeling of protein sequence and biophysical properties (such as structural, functional, and spatial information, amino acid conservation, physicochemical variation, residue mobility, and thermodynamic stability) performed at Invitae indicates that this missense variant is not expected to disrupt DNAH11 protein function with a negative predictive value of 95%. In summary, the available evidence is currently insufficient to determine the role of this variant in disease. Therefore, it has been classified as a Variant of Uncertain Significance.

NM_001277115.2(DNAH11):c.947C>T (p.Pro316Leu)

Gene: DNAH11 (dynein axonemal heavy chain 11; plus strand). Cytogenetic location: 7p15.3.
Variant type: single nucleotide variant.
Coding change: c.947C>T on transcript NM_001277115.2 (MANE Select); coding-DNA position 947, C replaced by T.
Protein change: p.Pro316Leu; replaces proline 316 with leucine.
Molecular consequence: missense variant.
Genome position (GRCh38, 1-based): chr7:21,561,135, C>T. VCF-style: chr7-21561135-C-T. GRCh37 (hg19) VCF-style: chr7-21600753-C-T.
Other names: c.947C>T, p.Pro316Leu (NM_003777.3); short protein forms P316L.
Identifiers: ClinVar variation 2892741 (VCV002892741.3), dbSNP rs1783443732, ClinGen allele CA366932165.